The following is an entry in ClinVar:

ClinVar aggregate classification (germline): Uncertain significance (1 of 4 stars; one submission).

Conditions:
Nephronophthisis. Also called: Juvenile Nephronophthisis. Identifiers: Orphanet 655, MedGen C0687120, MONDO:0019005, HP:0000090.

Submission:

Labcorp Genetics (formerly Invitae), Labcorp
Classification: Uncertain significance for Nephronophthisis. Last evaluated: 2024-10-16. Review status: criteria provided, single submitter. Criteria: Invitae Variant Classification Sherloc (09022015). Collection method: clinical testing. Allele origin: germline.
Comment: This sequence change replaces proline, which is neutral and non-polar, with serine, which is neutral and polar, at codon 26 of the IQCB1 protein (p.Pro26Ser). This variant is not present in population databases (gnomAD no frequency). This variant has not been reported in the literature in individuals affected with IQCB1-related conditions. Invitae Evidence Modeling of protein sequence and biophysical properties (such as structural, functional, and spatial information, amino acid conservation, physicochemical variation, residue mobility, and thermodynamic stability) indicates that this missense variant is not expected to disrupt IQCB1 protein function with a negative predictive value of 80%. In summary, the available evidence is currently insufficient to determine the role of this variant in disease. Therefore, it has been classified as a Variant of Uncertain Significance.

NM_001023570.4(IQCB1):c.76C>T (p.Pro26Ser)

Gene: IQCB1 (IQ motif containing B1; minus strand). Cytogenetic location: 3q13.33.
Variant type: single nucleotide variant.
Coding change: c.76C>T on transcript NM_001023570.4 (MANE Select); coding-DNA position 76, C replaced by T.
Protein change: p.Pro26Ser; replaces proline 26 with serine.
Molecular consequence: missense variant. On other transcripts: non-coding transcript variant (1).
Genome position (GRCh38, 1-based): chr3:121,828,885, G>A on the plus strand (C>T on the coding strand, the complement: IQCB1 is on the minus strand). VCF-style: chr3-121828885-G-A. GRCh37 (hg19) VCF-style: chr3-121547732-G-A.
Other names: c.76C>T, p.Pro26Ser (NM_001023571.4, NM_001319107.2); short protein forms P26S.
Identifiers: ClinVar variation 3660994 (VCV003660994.2).